The following is an entry in ClinVar:

NM_000548.5(TSC2):c.2381A>G (p.Gln794Arg)

Gene: TSC2 (TSC complex subunit 2; plus strand). Cytogenetic location: 16p13.3.
Variant type: single nucleotide variant.
Coding change: c.2381A>G on transcript NM_000548.5 (MANE Select); coding-DNA position 2381, A replaced by G.
Protein change: p.Gln794Arg; replaces glutamine 794 with arginine.
Molecular consequence: missense variant.
Genome position (GRCh38, 1-based): chr16:2,074,225, A>G. VCF-style: chr16-2074225-A-G. GRCh37 (hg19) VCF-style: chr16-2124226-A-G.
Other names: c.2381A>G (NM_000548.3); c.2381A>G, p.Gln794Arg (NM_001077183.3, NM_001114382.3, NM_001363528.2 and 3 more transcripts); c.2270A>G, p.Gln757Arg (NM_001318827.2); c.2234A>G, p.Gln745Arg (NM_001318829.2); c.1781A>G, p.Gln594Arg (NM_001318831.2); c.2414A>G, p.Gln805Arg (NM_001318832.2); short protein forms Q757R, Q594R, Q794R, Q805R, Q745R.
Identifiers: ClinVar variation 1450989 (VCV001450989.8), dbSNP rs2151347628, ClinGen allele CA394277038.

ClinVar aggregate classification (germline): Uncertain significance. Review status: criteria provided, multiple submitters, no conflicts (2 of 4 stars). 2 submissions from 2 submitters: Uncertain significance (2). Last evaluated 2025-02-04.

Conditions:
Tuberous sclerosis 2 (TSC2). Identifiers: Orphanet 805, MedGen C1860707, MONDO:0013199, OMIM 613254.
Hereditary cancer-predisposing syndrome. Also called: Tumor predisposition; Hereditary neoplastic syndrome; Hereditary Cancer Syndrome; Neoplastic Syndromes, Hereditary. Identifiers: Orphanet 140162, MedGen C0027672, MeSH D009386, MONDO:0015356.

Submissions (2):

Ambry Genetics
Classification: Uncertain significance for Hereditary cancer-predisposing syndrome. Last evaluated: 2025-02-04. Review status: criteria provided, single submitter. Criteria: Ambry Variant Classification Scheme 2023. Collection method: clinical testing. Allele origin: germline.

Labcorp Genetics (formerly Invitae), Labcorp
Classification: Uncertain significance for Tuberous sclerosis 2. Last evaluated: 2021-12-10. Review status: criteria provided, single submitter. Criteria: Invitae Variant Classification Sherloc (09022015). Collection method: clinical testing. Allele origin: germline.
Comment: In summary, the available evidence is currently insufficient to determine the role of this variant in disease. Therefore, it has been classified as a Variant of Uncertain Significance. Advanced modeling of protein sequence and biophysical properties (such as structural, functional, and spatial information, amino acid conservation, physicochemical variation, residue mobility, and thermodynamic stability) performed at Invitae indicates that this missense variant is not expected to disrupt TSC2 protein function. This variant has not been reported in the literature in individuals affected with TSC2-related conditions. This variant is not present in population databases (gnomAD no frequency). This sequence change replaces glutamine, which is neutral and polar, with arginine, which is basic and polar, at codon 794 of the TSC2 protein (p.Gln794Arg).